The following is an entry in ClinVar:

NM_001378454.1(ALMS1):c.941C>G (p.Pro314Arg)

Gene: ALMS1 (ALMS1 centrosome and basal body associated protein; plus strand). Cytogenetic location: 2p13.1.
Variant type: single nucleotide variant.
Coding change: c.941C>G on transcript NM_001378454.1 (MANE Select); coding-DNA position 941, C replaced by G.
Protein change: p.Pro314Arg; replaces proline 314 with arginine.
Molecular consequence: missense variant.
Genome position (GRCh38, 1-based): chr2:73,424,606, C>G. VCF-style: chr2-73424606-C-G. GRCh37 (hg19) VCF-style: chr2-73651734-C-G.
Other names: c.944C>G, p.Pro315Arg (NM_015120.4); short protein forms P315R, P314R.
Identifiers: ClinVar variation 4999332 (VCV004999332.1).
Genomic context (GRCh38, chr2:73,424,606, plus strand): 5'-GTGTATCTCAGCACCCGCTTATAGGCAGCACAGCTGTTGGGTCTCAGTGCCCTTTTTTAC[C>G]TTCTGAACAAGGGAATAATGAAGAGACTATTTCGTCTGTTGATGAACTGAAAATTCCCAA-3'
Protein context (NP_001365383.1, residues 304-324): TAVGSQCPFL[Pro314Arg]SEQGNNEETI

ClinVar aggregate classification (germline): Uncertain significance (1 of 4 stars; one submission).

Conditions:
ALMS1-related disorder. Also called: ALMS1-related condition.

Submission:

PreventionGenetics, part of Exact Sciences
Classification: Uncertain significance for ALMS1-related condition. Last evaluated: 2025-07-29. Review status: criteria provided, single submitter. Criteria: ACMG Guidelines, 2015. Collection method: clinical testing. Allele origin: germline.
Comment: The ALMS1 c.944C>G variant is predicted to result in the amino acid substitution p.Ser315Cys. To our knowledge, this variant has not been reported in the literature or in a large population database (gnomAD), indicating this variant is rare. At this time, the clinical significance of this variant is uncertain due to the absence of conclusive functional and genetic evidence.